The following is an entry in ClinVar:

ClinVar aggregate classification (germline): Pathogenic. Review status: criteria provided, multiple submitters, no conflicts (2 of 4 stars). 6 submissions from 6 submitters: Pathogenic (6). Last evaluated 2025-09-11.

Conditions:
Hereditary cancer-predisposing syndrome. Also called: Hereditary neoplastic syndrome; Tumor predisposition; Hereditary Cancer Syndrome; Neoplastic Syndromes, Hereditary. Identifiers: Orphanet 140162, MedGen C0027672, MeSH D009386, MONDO:0015356.
Familial cancer of breast. Also called: Hereditary breast cancer; hereditary breast carcinoma; BREAST CANCER, FAMILIAL. Identifiers: Orphanet 227535, MedGen C0346153, MONDO:0016419, OMIM 114480. Disease mechanism: loss of function.

Allele frequency attached by ClinVar (database versions not stated): gnomAD exomes below 0.00001.

Submissions (6):

Labcorp Genetics (formerly Invitae), Labcorp
Classification: Pathogenic for Familial cancer of breast. Last evaluated: 2025-09-11. Review status: criteria provided, single submitter. Criteria: Invitae Variant Classification Sherloc (09022015). Collection method: clinical testing. Allele origin: germline.
Comment: This sequence change creates a premature translational stop signal (p.Leu345Serfs*2) in the PALB2 gene. It is expected to result in an absent or disrupted protein product. Loss-of-function variants in PALB2 are known to be pathogenic (PMID: 17200668, 17200671, 17200672, 24136930, 25099575). This variant is not present in population databases (gnomAD no frequency). This variant has not been reported in the literature in individuals affected with PALB2-related conditions. ClinVar contains an entry for this variant (Variation ID: 492143). For these reasons, this variant has been classified as Pathogenic.

GeneDx
Classification: Pathogenic. Last evaluated: 2023-09-11. Review status: criteria provided, single submitter. Criteria: GeneDx Variant Classification Process June 2021. Collection method: clinical testing. Allele origin: germline. Affected: yes.
Comment: Frameshift variant predicted to result in protein truncation or nonsense mediated decay in a gene for which loss of function is a known mechanism of disease; Not observed at significant frequency in large population cohorts (gnomAD); Truncating variants in this gene are considered pathogenic by a well-established clinical consortium and/or database; Identified among a large cohort of predominantly healthy individuals evaluated by multi-gene panel testing (eMERGE Consortium 2019); This variant is associated with the following publications: (PMID: 31447099)

Myriad Genetics, Inc.
Classification: Pathogenic for Familial cancer of breast. Last evaluated: 2023-09-07. Review status: criteria provided, single submitter. Criteria: Myriad Autosomal Dominant, Autosomal Recessive and X-Linked Classification Criteria (2023). Collection method: clinical testing. Allele origin: unknown.
Comment: This variant is considered pathogenic. This variant creates a frameshift predicted to result in premature protein truncation.

Ambry Genetics
Classification: Pathogenic for Hereditary cancer-predisposing syndrome. Last evaluated: 2023-05-16. Review status: criteria provided, single submitter. Criteria: Ambry Variant Classification Scheme 2023. Collection method: clinical testing. Allele origin: germline.
Comment: The c.1032_1033dupCT pathogenic mutation, located in coding exon 4 of the PALB2 gene, results from a duplication of CT at nucleotide position 1032, causing a translational frameshift with a predicted alternate stop codon (p.L345Sfs*2). This variant is considered to be rare based on population cohorts in the Genome Aggregation Database (gnomAD). This alteration is expected to result in loss of function by premature protein truncation or nonsense-mediated mRNA decay. As such, this alteration is interpreted as a disease-causing mutation.

Color Diagnostics, LLC DBA Color Health
Classification: Pathogenic for Hereditary cancer-predisposing syndrome. Last evaluated: 2022-03-10. Review status: criteria provided, single submitter. Criteria: ACMG Guidelines, 2015. Collection method: clinical testing. Allele origin: germline.
Comment: This variant inserts 2 nucleotides in exon 4 of the PALB2 gene, creating a frameshift and premature translation stop signal. This variant is expected to result in an absent or non-functional protein product. To our knowledge, this variant has not been reported in individuals affected with hereditary cancer in the literature. This variant has not been identified in the general population by the Genome Aggregation Database (gnomAD). Loss of PALB2 function is a known mechanism of disease. Based on the available evidence, this variant is classified as Pathogenic.

Human Genome Sequencing Center Clinical Lab, Baylor College of Medicine
Classification: Pathogenic for Familial cancer of breast. Last evaluated: 2018-04-27. Review status: criteria provided, single submitter. Criteria: ACMG Guidelines, 2015. Collection method: clinical testing. Allele origin: germline.
Comment: This c.1032_1033dupCT (p.Leu345Serfs*2) frameshift variant in the PALB2 gene is predicted to introduce a premature translation termination codon. Mono-allelic loss of function variants in the PALB2 gene have been associated with susceptibility to breast cancer and pancreatic cancer. Bi-allelic loss of function variants in this gene are associated with Fanconi anemia, complementation group N (OMIM 610832). This variant in the PALB2 gene is classified as pathogenic.

Literature cited by the submitters: PubMed 17200668 (cited by Labcorp Genetics (formerly Invitae), Labcorp); PubMed 17200671 (cited by Labcorp Genetics (formerly Invitae), Labcorp); PubMed 17200672 (cited by Labcorp Genetics (formerly Invitae), Labcorp); PubMed 24136930 (cited by Labcorp Genetics (formerly Invitae), Labcorp); PubMed 25099575 (cited by Labcorp Genetics (formerly Invitae), Labcorp).

NM_024675.4(PALB2):c.1032_1033dup (p.Leu345fs)

Gene: PALB2 (partner and localizer of BRCA2; minus strand). Cytogenetic location: 16p12.2.
Variant type: Duplication.
Coding change: c.1032_1033dup on transcript NM_024675.4 (MANE Select); coding-DNA positions 1032 to 1033, 2 bases duplicated (CT; older notation c.1032_1033dupCT).
Protein change: p.Leu345fs; shifts the reading frame from leucine 345.
Molecular consequence: frameshift variant.
Genome position (GRCh38, 1-based): chr16:23,635,513-23,635,514, AG duplicated on the plus strand (CT on the coding strand, the reverse complement: PALB2 is on the minus strand). VCF-style (leftmost placement, unchanged base first): chr16-23635512-A-AAG. GRCh37 (hg19) VCF-style: chr16-23646833-A-AAG.
Other names: c.1032_1033dupCT (NM_024675.3); short protein forms L345fs.
Identifiers: ClinVar variation 492143 (VCV000492143.19), dbSNP rs1555461488, ClinGen allele CA658683915.